The following is an entry in ClinVar:

ClinVar aggregate classification (germline): Uncertain significance. Review status: criteria provided, single submitter (1 of 4 stars). 2 submissions from 2 submitters: Uncertain significance (1). 1 of the submissions does not count toward it. Last evaluated 2022-04-16.

Conditions:
BBS7-related disorder. Also called: BBS7-related condition.
Bardet-Biedl syndrome (BBS). Identifiers: Orphanet 110, MedGen C0752166, MONDO:0015229.

Allele frequency attached by ClinVar (database versions not stated): ExAC 0.00001; TOPMed 0.00001.
gnomAD v4.1: 9 of 1,605,152 alleles (0.00056%); highest among the groups gnomAD compares: Non-Finnish European, 0.0006%; no homozygotes.

Submissions (2):

Labcorp Genetics (formerly Invitae), Labcorp
Classification: Uncertain significance for Bardet-Biedl syndrome. Last evaluated: 2022-04-16. Review status: criteria provided, single submitter. Criteria: Invitae Variant Classification Sherloc (09022015). Collection method: clinical testing. Allele origin: germline.
Comment: This sequence change affects codon 588 of the BBS7 mRNA. It is a 'silent' change, meaning that it does not change the encoded amino acid sequence of the BBS7 protein. The frequency data for this variant in the population databases is considered unreliable, as metrics indicate poor data quality at this position in the gnomAD database. This variant has not been reported in the literature in individuals affected with BBS7-related conditions. Algorithms developed to predict the effect of sequence changes on RNA splicing suggest that this variant may create or strengthen a splice site. In summary, the available evidence is currently insufficient to determine the role of this variant in disease. Therefore, it has been classified as a Variant of Uncertain Significance.

PreventionGenetics, part of Exact Sciences
Classification: Likely benign for BBS7-related condition. Last evaluated: 2019-06-11. Review status: no assertion criteria provided. Collection method: clinical testing. Allele origin: germline. Not counted in ClinVar's aggregate classification.
Comment: This variant is classified as likely benign based on ACMG/AMP sequence variant interpretation guidelines (Richards et al. 2015 PMID: 25741868, with internal and published modifications).

NM_176824.3(BBS7):c.1764A>G (p.Lys588=)

Gene: BBS7 (Bardet-Biedl syndrome 7; minus strand). Cytogenetic location: 4q27.
Variant type: single nucleotide variant.
Coding change: c.1764A>G on transcript NM_176824.3 (MANE Select); coding-DNA position 1764, A replaced by G.
Protein change: p.Lys588=; no amino-acid change (lysine 588 retained).
Molecular consequence: synonymous variant.
Genome position (GRCh38, 1-based): chr4:121,828,641, T>C on the plus strand (A>G on the coding strand, the complement: BBS7 is on the minus strand). VCF-style: chr4-121828641-T-C. GRCh37 (hg19) VCF-style: chr4-122749796-T-C.
Other names: c.1764A>G, p.Lys588= (NM_018190.4); c.1764A>G (NM_176824.2).
Identifiers: ClinVar variation 2190007 (VCV002190007.3), dbSNP rs759310647, ClinGen allele CA3064141.